The following is an entry in ClinVar:

ClinVar aggregate classification (germline): Uncertain significance. Review status: criteria provided, multiple submitters, no conflicts (2 of 4 stars). 2 submissions from 2 submitters: Uncertain significance (2). Last evaluated 2023-12-23.

Conditions:
Hereditary xanthinuria type 1 (XAN1). Identifiers: Orphanet 3467, Orphanet 93601, MedGen C0268118, MONDO:0010209, OMIM 278300.
Xanthinuria type II. Also called: Xanthine dehydrogenase and aldehyde oxidase combined deficiency of; XDH and AOX dual deficiency. Identifiers: Orphanet 3467, Orphanet 93602, MedGen C1863688, MONDO:0011346, OMIM 603592.

Allele frequency attached by ClinVar (database versions not stated): ExAC 0.00001; TOPMed 0.00009; gnomAD 0.00015 and 0.00017.
gnomAD v4.1: 80 of 1,613,684 alleles (0.005%); highest among the groups gnomAD compares: Admixed American, 0.053%; no homozygotes.

Submissions (2):

Fulgent Genetics
Classification: Uncertain significance for Hereditary xanthinuria type 1. Last evaluated: 2023-12-23. Review status: criteria provided, single submitter. Criteria: ACMG Guidelines, 2015. Collection method: clinical testing. Allele origin: germline.

Labcorp Genetics (formerly Invitae), Labcorp
Classification: Uncertain significance for Xanthinuria type 2. Last evaluated: 2019-04-08. Review status: criteria provided, single submitter. Criteria: Invitae Variant Classification Sherloc (09022015). Collection method: clinical testing. Allele origin: germline.
Comment: This sequence change replaces valine with glycine at codon 326 of the XDH protein (p.Val326Gly). The valine residue is highly conserved and there is a moderate physicochemical difference between valine and glycine. This variant is present in population databases (rs761592093, ExAC 0.001%). This variant has not been reported in the literature in individuals with XDH-related conditions. Algorithms developed to predict the effect of missense changes on protein structure and function (SIFT, PolyPhen-2, Align-GVGD) all suggest that this variant is likely to be disruptive, but these predictions have not been confirmed by published functional studies and their clinical significance is uncertain. In summary, the available evidence is currently insufficient to determine the role of this variant in disease. Therefore, it has been classified as a Variant of Uncertain Significance.

NM_000379.4(XDH):c.977T>G (p.Val326Gly)

Gene: XDH (xanthine dehydrogenase; minus strand). Cytogenetic location: 2p23.1.
Variant type: single nucleotide variant.
Coding change: c.977T>G on transcript NM_000379.4 (MANE Select); coding-DNA position 977, T replaced by G.
Protein change: p.Val326Gly; replaces valine 326 with glycine.
Molecular consequence: missense variant.
Genome position (GRCh38, 1-based): chr2:31,383,062, A>C on the plus strand (T>G on the coding strand, the complement: XDH is on the minus strand). VCF-style: chr2-31383062-A-C. GRCh37 (hg19) VCF-style: chr2-31605928-A-C.
Other names: short protein forms V326G.
Identifiers: ClinVar variation 849563 (VCV000849563.3), dbSNP rs761592093, ClinGen allele CA1599402.